The following is an entry in ClinVar:

ClinVar aggregate classification (germline): Uncertain significance. Review status: criteria provided, multiple submitters, no conflicts (2 of 4 stars). 3 submissions from 3 submitters: Uncertain significance (3). Last evaluated 2024-12-10.

Conditions:
Duchenne muscular dystrophy (DMD). Also called: MUSCULAR DYSTROPHY, PSEUDOHYPERTROPHIC PROGRESSIVE, DUCHENNE TYPE; Duchenne Muscular Dystrophy (DMD). Identifiers: Orphanet 98896, MedGen C0013264, MONDO:0010679, OMIM 310200.
Cardiovascular phenotype. Identifiers: MedGen CN230736.

Allele frequency attached by ClinVar (database versions not stated): gnomAD exomes below 0.00001.
gnomAD v4.1: 2 of 1,211,272 alleles (0.00017%); highest among the groups gnomAD compares: Non-Finnish European, 0.00011%; no homozygotes.

Submissions (3):

GeneDx
Classification: Uncertain significance. Last evaluated: 2024-12-10. Review status: criteria provided, single submitter. Criteria: GeneDx Variant Classification Process June 2021. Collection method: clinical testing. Allele origin: germline. Affected: yes.
Comment: Not observed at significant frequency in large population cohorts (gnomAD); In silico analysis supports that this missense variant has a deleterious effect on protein structure/function; Missense variant in a gene in which most reported pathogenic variants are truncating/loss of function; Has not been previously published as pathogenic or benign to our knowledge

Ambry Genetics
Classification: Uncertain significance for Cardiovascular phenotype. Last evaluated: 2024-06-28. Review status: criteria provided, single submitter. Criteria: Ambry Variant Classification Scheme 2023. Collection method: clinical testing. Allele origin: germline.
Comment: The p.W1351R variant (also known as c.4051T>C), located in coding exon 29 of the DMD gene, results from a T to C substitution at nucleotide position 4051. The tryptophan at codon 1351 is replaced by arginine, an amino acid with dissimilar properties. This amino acid position is well conserved in available vertebrate species. In addition, this alteration is predicted to be tolerated by in silico analysis. Based on the available evidence, the clinical significance of this variant remains unclear.

Labcorp Genetics (formerly Invitae), Labcorp
Classification: Uncertain significance for Duchenne muscular dystrophy. Last evaluated: 2023-05-16. Review status: criteria provided, single submitter. Criteria: Invitae Variant Classification Sherloc (09022015). Collection method: clinical testing. Allele origin: germline.
Comment: In summary, the available evidence is currently insufficient to determine the role of this variant in disease. Therefore, it has been classified as a Variant of Uncertain Significance. Advanced modeling of protein sequence and biophysical properties (such as structural, functional, and spatial information, amino acid conservation, physicochemical variation, residue mobility, and thermodynamic stability) performed at Invitae indicates that this missense variant is not expected to disrupt DMD protein function. ClinVar contains an entry for this variant (Variation ID: 1347928). This variant has not been reported in the literature in individuals affected with DMD-related conditions. This variant is not present in population databases (gnomAD no frequency). This sequence change replaces tryptophan, which is neutral and slightly polar, with arginine, which is basic and polar, at codon 1351 of the DMD protein (p.Trp1351Arg).

NM_004006.3(DMD):c.4051T>C (p.Trp1351Arg)

Gene: DMD (dystrophin; minus strand). Cytogenetic location: Xp21.1.
Variant type: single nucleotide variant.
Coding change: c.4051T>C on transcript NM_004006.3 (MANE Select); coding-DNA position 4051, T replaced by C.
Protein change: p.Trp1351Arg; replaces tryptophan 1351 with arginine.
Molecular consequence: missense variant.
Genome position (GRCh38, 1-based): chrX:32,438,261, A>G on the plus strand (T>C on the coding strand, the complement: DMD is on the minus strand). VCF-style: chrX-32438261-A-G. GRCh37 (hg19) VCF-style: chrX-32456378-A-G.
Other names: c.4051T>C (NM_004006.2); c.4027T>C, p.Trp1343Arg (NM_000109.4); c.4039T>C, p.Trp1347Arg (NM_004009.3); c.3682T>C, p.Trp1228Arg (NM_004010.3); short protein forms W1351R, W1228R, W1347R, W1343R.
Identifiers: ClinVar variation 1347928 (VCV001347928.10), dbSNP rs2098269032, ClinGen allele CA412669244.